The following is an entry in ClinVar:

NM_000057.4(BLM):c.960-2A>C

Gene: BLM (BLM RecQ like helicase; plus strand). Cytogenetic location: 15q26.1.
Variant type: single nucleotide variant.
Coding change: c.960-2A>C on transcript NM_000057.4 (MANE Select); the canonical splice acceptor site of the intron before coding-DNA position 960, A replaced by C.
Molecular consequence: splice acceptor variant.
Genome position (GRCh38, 1-based): chr15:90,754,809, A>C. VCF-style: chr15-90754809-A-C. GRCh37 (hg19) VCF-style: chr15-91298039-A-C.
Other names: c.960-2A>C (NM_001287246.2, NM_001287247.2); c.-332-2A>C (NM_001287248.2).
Identifiers: ClinVar variation 853126 (VCV000853126.7), dbSNP rs1286600850, ClinGen allele CA393841974.

ClinVar aggregate classification (germline): Likely pathogenic. Review status: criteria provided, multiple submitters, no conflicts (2 of 4 stars). 2 submissions from 2 submitters: Likely pathogenic (2). Last evaluated 2023-03-21.

Conditions:
Bloom syndrome (BLM). Also called: Bloom-Torre-Machacek syndrome. Identifiers: Orphanet 125, MedGen C0005859, MONDO:0008876, OMIM 210900.

Allele frequency attached by ClinVar (database versions not stated): gnomAD exomes below 0.00001.
gnomAD v4.1: 1 of 1,613,430 alleles (0.000062%); highest among the groups gnomAD compares: East Asian, 0.0022%; no homozygotes.

Submissions (2):

Baylor Genetics
Classification: Likely pathogenic for Bloom syndrome. Last evaluated: 2023-03-21. Review status: criteria provided, single submitter. Criteria: ACMG Guidelines, 2015. Collection method: clinical testing. Allele origin: unknown.

Labcorp Genetics (formerly Invitae), Labcorp
Classification: Likely pathogenic for Bloom syndrome. Last evaluated: 2022-04-05. Review status: criteria provided, single submitter. Criteria: Invitae Variant Classification Sherloc (09022015). Collection method: clinical testing. Allele origin: germline.
Comment: In summary, the currently available evidence indicates that the variant is pathogenic, but additional data are needed to prove that conclusively. Therefore, this variant has been classified as Likely Pathogenic. Algorithms developed to predict the effect of sequence changes on RNA splicing suggest that this variant may disrupt the consensus splice site. ClinVar contains an entry for this variant (Variation ID: 853126). This variant has not been reported in the literature in individuals affected with BLM-related conditions. This variant is present in population databases (no rsID available, gnomAD 0.006%). This sequence change affects an acceptor splice site in intron 4 of the BLM gene. It is expected to disrupt RNA splicing. Variants that disrupt the donor or acceptor splice site typically lead to a loss of protein function (PMID: 16199547), and loss-of-function variants in BLM are known to be pathogenic (PMID: 17407155).

Literature cited by the submitters: PubMed 16199547 (cited by Labcorp Genetics (formerly Invitae), Labcorp); PubMed 17407155 (cited by Labcorp Genetics (formerly Invitae), Labcorp).